The following is an entry in ClinVar:

ClinVar aggregate classification (germline): Uncertain significance (1 of 4 stars; one submission).

gnomAD v4.1: 11 of 1,542,418 alleles (0.00071%); highest among the groups gnomAD compares: Non-Finnish European, 0.00096%; no homozygotes.

Submission:

Labcorp Genetics (formerly Invitae), Labcorp
Classification: Uncertain significance. Last evaluated: 2022-03-14. Review status: criteria provided, single submitter. Criteria: Invitae Variant Classification Sherloc (09022015). Collection method: clinical testing. Allele origin: germline.
Comment: In summary, the available evidence is currently insufficient to determine the role of this variant in disease. Therefore, it has been classified as a Variant of Uncertain Significance. Algorithms developed to predict the effect of missense changes on protein structure and function are either unavailable or do not agree on the potential impact of this missense change (SIFT: "Deleterious"; PolyPhen-2: "Probably Damaging"; Align-GVGD: "Class C0"). This variant has not been reported in the literature in individuals affected with DLL3-related conditions. This variant is not present in population databases (gnomAD no frequency). This sequence change replaces arginine, which is basic and polar, with serine, which is neutral and polar, at codon 57 of the DLL3 protein (p.Arg57Ser).

NM_203486.3(DLL3):c.169C>A (p.Arg57Ser)

Gene: DLL3 (delta like canonical Notch ligand 3; plus strand). Cytogenetic location: 19q13.2.
Variant type: single nucleotide variant.
Coding change: c.169C>A on transcript NM_203486.3 (MANE Select); coding-DNA position 169, C replaced by A.
Protein change: p.Arg57Ser; replaces arginine 57 with serine.
Molecular consequence: missense variant.
Genome position (GRCh38, 1-based): chr19:39,499,291, C>A. VCF-style: chr19-39499291-C-A. GRCh37 (hg19) VCF-style: chr19-39989931-C-A.
Other names: c.169C>A, p.Arg57Ser (NM_016941.4); short protein forms R57S.
Identifiers: ClinVar variation 1985496 (VCV001985496.4), dbSNP rs1441217676, ClinGen allele CA405793421.